The following is an entry in ClinVar:

NM_015512.5(DNAH1):c.6133C>G (p.Leu2045Val)

Gene: DNAH1 (dynein axonemal heavy chain 1; plus strand). Cytogenetic location: 3p21.1.
Variant type: single nucleotide variant.
Coding change: c.6133C>G on transcript NM_015512.5 (MANE Select); coding-DNA position 6133, C replaced by G.
Protein change: p.Leu2045Val; replaces leucine 2045 with valine.
Molecular consequence: missense variant.
Genome position (GRCh38, 1-based): chr3:52,370,014, C>G. VCF-style: chr3-52370014-C-G. GRCh37 (hg19) VCF-style: chr3-52404030-C-G.
Other names: short protein forms L2045V.
Identifiers: ClinVar variation 1381756 (VCV001381756.5), dbSNP rs770199041, ClinGen allele CA2434417.
Genomic context (GRCh38, chr3:52,370,014, plus strand): 5'-AAGCTGCCTCCCTTGCTGAAGCCCTATGAGGAGCATTTCAAGGCCCTCTTTGTCAGCTTC[C>G]TGGAGGTGAGTGAGGCCACGGGTATGTCTGACCCTGGCAGGGCAGCAGGGCACTGTGGCT-3'
Protein context (NP_056327.4, residues 2035-2055): EHFKALFVSF[Leu2045Val]EESISFVRSS

ClinVar aggregate classification (germline): Uncertain significance (1 of 4 stars; one submission).

Conditions:
Spermatogenic failure 18. Identifiers: MedGen C4539783, MONDO:0054615, OMIM 617576.
Ciliary dyskinesia, primary, 37 (CILD37). Also called: CILIARY DYSKINESIA, PRIMARY, 37, WITH OR WITHOUT SITUS INVERSUS. Identifiers: MedGen C4539798, MONDO:0033204, OMIM 617577.

Allele frequency attached by ClinVar (database versions not stated): ExAC 0.00001; gnomAD 0.00001; gnomAD exomes 0.00001.
gnomAD v4.1: 8 of 1,612,946 alleles (0.0005%); highest among the groups gnomAD compares: Non-Finnish European, 0.00068%; no homozygotes.

Submission:

Labcorp Genetics (formerly Invitae), Labcorp
Classification: Uncertain significance for Ciliary dyskinesia, primary, 37; Spermatogenic failure 18. Last evaluated: 2024-10-25. Review status: criteria provided, single submitter. Criteria: Invitae Variant Classification Sherloc (09022015). Collection method: clinical testing. Allele origin: germline.
Comment: This sequence change replaces leucine, which is neutral and non-polar, with valine, which is neutral and non-polar, at codon 2045 of the DNAH1 protein (p.Leu2045Val). This variant is present in population databases (rs770199041, gnomAD 0.003%). This variant has not been reported in the literature in individuals affected with DNAH1-related conditions. ClinVar contains an entry for this variant (Variation ID: 1381756). Invitae Evidence Modeling of protein sequence and biophysical properties (such as structural, functional, and spatial information, amino acid conservation, physicochemical variation, residue mobility, and thermodynamic stability) indicates that this missense variant is not expected to disrupt DNAH1 protein function with a negative predictive value of 80%. In summary, the available evidence is currently insufficient to determine the role of this variant in disease. Therefore, it has been classified as a Variant of Uncertain Significance.